The following is an entry in ClinVar:

NM_000426.4(LAMA2):c.5914C>T (p.Gln1972Ter)

Gene: LAMA2 (laminin subunit alpha 2; plus strand). Cytogenetic location: 6q22.33.
Variant type: single nucleotide variant.
Coding change: c.5914C>T on transcript NM_000426.4 (MANE Select); coding-DNA position 5914, C replaced by T.
Protein change: p.Gln1972Ter; replaces glutamine 1972 with a stop codon.
Molecular consequence: nonsense.
Genome position (GRCh38, 1-based): chr6:129,427,800, C>T. VCF-style: chr6-129427800-C-T. GRCh37 (hg19) VCF-style: chr6-129748945-C-T.
Other names: c.5914C>T, p.Gln1972Ter (NM_001079823.2); short protein forms Q1972*.
Identifiers: ClinVar variation 92971 (VCV000092971.29), dbSNP rs398123378, ClinGen allele CA220776.

ClinVar aggregate classification (germline): Pathogenic. Review status: criteria provided, multiple submitters, no conflicts (2 of 4 stars). 9 submissions from 9 submitters: Pathogenic (8). 1 of the submissions does not count toward it. Last evaluated 2025-10-14.

Conditions:
Muscular dystrophy, limb-girdle, autosomal recessive 23. Identifiers: Orphanet 565837, MedGen C4748327, MONDO:0029136, OMIM 618138.
Merosin deficient congenital muscular dystrophy (MDC1A). Also called: Congenital merosin-deficient muscular dystrophy 1A; Congenital Muscular Dystrophy Type 1A (MDC1A). Identifiers: Orphanet 258, MedGen C1263858, MONDO:0011925, OMIM 607855.
Inborn genetic diseases. Identifiers: MedGen C0950123, MeSH D030342.
LAMA2-related muscular dystrophy (LAMA2-RD). Also called: Laminin alpha 2-related dystrophy. Identifiers: MedGen C5679788, MONDO:0100228.

Allele frequency attached by ClinVar (database versions not stated): gnomAD 0.00001 and 0.00002; TOPMed 0.00008.
gnomAD v4.1: 7 of 1,613,716 alleles (0.00043%); highest among the groups gnomAD compares: Admixed American, 0.005%; no homozygotes.

Submissions (9):

Labcorp Genetics (formerly Invitae), Labcorp
Classification: Pathogenic for LAMA2-related muscular dystrophy. Last evaluated: 2025-10-14. Review status: criteria provided, single submitter. Criteria: Invitae Variant Classification Sherloc (09022015). Collection method: clinical testing. Allele origin: germline.
Comment: This sequence change creates a premature translational stop signal (p.Gln1972*) in the LAMA2 gene. It is expected to result in an absent or disrupted protein product. Loss-of-function variants in LAMA2 are known to be pathogenic (PMID: 18700894, 32904964). This variant is not present in population databases (gnomAD no frequency). This premature translational stop signal has been observed in individuals with congenital muscular dystrophy (PMID: 30055037; internal data). ClinVar contains an entry for this variant (Variation ID: 92971). For these reasons, this variant has been classified as Pathogenic.

Fulgent Genetics
Classification: Pathogenic for Merosin deficient congenital muscular dystrophy; Muscular dystrophy, limb-girdle, autosomal recessive 23. Last evaluated: 2024-04-09. Review status: criteria provided, single submitter. Criteria: ACMG Guidelines, 2015. Collection method: clinical testing. Allele origin: germline.

Baylor Genetics
Classification: Pathogenic for Merosin deficient congenital muscular dystrophy. Last evaluated: 2024-03-21. Review status: criteria provided, single submitter. Criteria: ACMG Guidelines, 2015. Collection method: clinical testing. Allele origin: unknown.

GeneDx
Classification: Pathogenic. Last evaluated: 2022-04-18. Review status: criteria provided, single submitter. Criteria: GeneDx Variant Classification Process June 2021. Collection method: clinical testing. Allele origin: germline. Affected: yes.
Comment: Nonsense variant predicted to result in protein truncation or nonsense mediated decay in a gene for which loss-of-function is a known mechanism of disease; Not observed at significant frequency in large population cohorts (gnomAD); This variant is associated with the following publications: (PMID: 30055037)

Revvity Omics, Revvity
Classification: Pathogenic. Last evaluated: 2021-11-03. Review status: criteria provided, single submitter. Criteria: ACMG Guidelines, 2015. Collection method: clinical testing. Allele origin: germline.

Ambry Genetics
Classification: Pathogenic for Inborn genetic diseases. Last evaluated: 2020-11-06. Review status: criteria provided, single submitter. Criteria: Ambry Variant Classification Scheme 2023. Collection method: clinical testing. Allele origin: germline.
Comment: The c.5914C>T (p.Q1972*) alteration, located in exon 41 (coding exon 41) of the LAMA2 gene, consists of a C to T substitution at nucleotide position 5914. This changes the amino acid from a glutamine (Q) to a stop codon at amino acid position 1972. This alteration is expected to result in loss of function by premature protein truncation or nonsense-mediated mRNA decay. Based on data from the Genome Aggregation Database (gnomAD), the LAMA2 c.5914C>T alteration was not observed, with coverage at this position. This variant has been detected in a homozygous state in at least two individuals, one with a congenital muscular dystrophy phenotype and the other with an undescribed phenotype. It has also been detected in at least one individual in a heterozygous state with no second deleterious variant being found; however, this individual's phenotype was not described (Oliveira, 2018). Based on the available evidence, this alteration is classified as pathogenic.

Women's Health and Genetics/Laboratory Corporation of America, LabCorp
Classification: Pathogenic for Laminin alpha 2-related dystrophy. Last evaluated: 2019-11-15. Review status: criteria provided, single submitter. Criteria: LabCorp Variant Classification Summary - May 2015. Collection method: clinical testing. Allele origin: germline.
Comment: Variant summary: LAMA2 c.5914C>T (p.Gln1972X) results in a premature termination codon, predicted to cause a truncation of the encoded protein or absence of the protein due to nonsense mediated decay, which are commonly known mechanisms for disease. Truncations downstream of this position have been classified as pathogenic in the literature (Oliveira_2018). The variant was absent in 251280 control chromosomes. c.5914C>T has been reported in the literature in individuals affected with Laminin alpha 2-related dystrophy (example, Oliveira_2018). These data indicate that the variant is likely to be associated with disease. At least one publication reports experimental evidence evaluating an impact on protein function. The most pronounced variant effect results in a deficiency of laminin-alpha-2 by IHC in muscle/fibroblasts of affected patients (Oliveira_2018). Two clinical diagnostic laboratories have submitted clinical-significance assessments for this variant to ClinVar after 2014 without evidence for independent evaluation. All laboratories classified the variant as pathogenic (n=1)/likely pathogenic(n=1). Based on the evidence outlined above, the variant was classified as pathogenic.

Eurofins Ntd Llc (ga)
Classification: Pathogenic. Last evaluated: 2014-05-13. Review status: criteria provided, single submitter. Criteria: EGL Classification Definitions. Collection method: clinical testing. Allele origin: germline. Observed: 4 variant alleles, 3 heterozygotes, 1 homozygote.

Counsyl
Classification: Likely pathogenic for Merosin deficient congenital muscular dystrophy. Last evaluated: 2017-09-05. Review status: no assertion criteria provided. Collection method: clinical testing. Allele origin: unknown. Not counted in ClinVar's aggregate classification.

Literature cited by the submitters: PubMed 18700894 (cited by Labcorp Genetics (formerly Invitae), Labcorp); PubMed 32904964 (cited by Labcorp Genetics (formerly Invitae), Labcorp); PubMed 30055037 (cited by 3 submitters).